The following is an entry in ClinVar:

ClinVar aggregate classification (germline): Pathogenic (1 of 4 stars; one submission).

Conditions:
Zellweger spectrum disorders (ZS). Also called: Zellweger Spectrum Disorder; Zellweger Spectrum; Zellweger Spectrum Disorder (ZSD); Zellweger syndrome. Identifiers: Orphanet 912, MedGen C0043459, MONDO:0019609.

Submission:

Labcorp Genetics (formerly Invitae), Labcorp
Classification: Pathogenic for Zellweger spectrum disorders. Last evaluated: 2022-01-17. Review status: criteria provided, single submitter. Criteria: Invitae Variant Classification Sherloc (09022015). Collection method: clinical testing. Allele origin: germline.
Comment: For these reasons, this variant has been classified as Pathogenic. This variant disrupts a region of the PEX1 protein in which other variant(s) (p.Arg581Pro) have been determined to be pathogenic (PMID: 26387595). This suggests that this is a clinically significant region of the protein, and that variants that disrupt it are likely to be disease-causing. This variant has not been reported in the literature in individuals affected with PEX1-related conditions. This variant is a gross deletion of the genomic region encompassing exon(s) 8-11 of the PEX1 gene. This variant would be expected to be in-frame, preserving the integrity of the reading frame.

Literature cited by the submitters: PubMed 26387595.

NC_000007.13:g.(?_92135552)_(92140371_?)del

Gene: PEX1 (peroxisomal biogenesis factor 1; minus strand). Cytogenetic location: 7q21.2.
Variant type: Deletion.
Identifiers: ClinVar variation 1455008 (VCV001455008.5).